The following is an entry in ClinVar:

ClinVar aggregate classification (germline): Uncertain significance (1 of 4 stars; one submission).

Conditions:
Emery-Dreifuss muscular dystrophy 5, autosomal dominant (EDMD5). Also called: EMERY-DREIFUSS MUSCULAR DYSTROPHY 5. Identifiers: Orphanet 261, MedGen C2751805, MONDO:0013072, OMIM 612999.

Submission:

Labcorp Genetics (formerly Invitae), Labcorp
Classification: Uncertain significance for Emery-Dreifuss muscular dystrophy 5, autosomal dominant. Last evaluated: 2022-11-28. Review status: criteria provided, single submitter. Criteria: Invitae Variant Classification Sherloc (09022015). Collection method: clinical testing. Allele origin: germline.
Comment: This sequence change replaces glutamic acid, which is acidic and polar, with lysine, which is basic and polar, at codon 3351 of the SYNE2 protein (p.Glu3351Lys). This variant is not present in population databases (gnomAD no frequency). This variant has not been reported in the literature in individuals affected with SYNE2-related conditions. Algorithms developed to predict the effect of missense changes on protein structure and function output the following: SIFT: "Tolerated"; PolyPhen-2: "Benign"; Align-GVGD: "Class C0". The lysine amino acid residue is found in multiple mammalian species, which suggests that this missense change does not adversely affect protein function. In summary, the available evidence is currently insufficient to determine the role of this variant in disease. Therefore, it has been classified as a Variant of Uncertain Significance.

NM_182914.3(SYNE2):c.10051G>A (p.Glu3351Lys)

Gene: SYNE2 (spectrin repeat containing nuclear envelope protein 2; plus strand). Cytogenetic location: 14q23.2.
Variant type: single nucleotide variant.
Coding change: c.10051G>A on transcript NM_182914.3 (MANE Select); coding-DNA position 10051, G replaced by A.
Protein change: p.Glu3351Lys; replaces glutamic acid 3351 with lysine.
Molecular consequence: missense variant.
Genome position (GRCh38, 1-based): chr14:64,056,250, G>A. VCF-style: chr14-64056250-G-A. GRCh37 (hg19) VCF-style: chr14-64522968-G-A.
Other names: c.10051G>A, p.Glu3351Lys (NM_015180.6); short protein forms E3351K.
Identifiers: ClinVar variation 3009753 (VCV003009753.3), dbSNP rs750654159, ClinGen allele CA389988413.